The following is an entry in ClinVar:

ClinVar aggregate classification (germline): Uncertain significance. Review status: criteria provided, multiple submitters, no conflicts (2 of 4 stars). 3 submissions from 3 submitters: Uncertain significance (3). Last evaluated 2026-08-04.

Conditions:
Mitochondrial complex III deficiency nuclear type 7. Identifiers: MedGen C4014408, MONDO:0014356, OMIM 615824.

Allele frequency attached by ClinVar (database versions not stated): gnomAD exomes 0.00006; TOPMed 0.00035; ESP Exome Variant Server 0.00008; gnomAD 0.00031.

Submissions (3):

GeneDx
Classification: Uncertain significance. Last evaluated: 2026-08-04. Review status: criteria provided, single submitter. Criteria: GeneDx Variant Classification Process June 2021. Collection method: clinical testing. Allele origin: germline.
Comment: Has not been previously published as pathogenic or benign to our knowledge; In silico analysis suggests that this missense variant does not alter protein structure/function

Labcorp Genetics (formerly Invitae), Labcorp
Classification: Uncertain significance. Last evaluated: 2025-06-12. Review status: criteria provided, single submitter. Criteria: Invitae Variant Classification Sherloc (09022015). Collection method: clinical testing. Allele origin: germline.
Comment: This sequence change replaces alanine, which is neutral and non-polar, with threonine, which is neutral and polar, at codon 38 of the UQCC2 protein (p.Ala38Thr). This variant is present in population databases (rs200180350, gnomAD 0.09%), and has an allele count higher than expected for a pathogenic variant. This variant has not been reported in the literature in individuals affected with UQCC2-related conditions. ClinVar contains an entry for this variant (Variation ID: 1220358). An algorithm developed to predict the effect of missense changes on protein structure and function (PolyPhen-2) suggests that this variant is likely to be disruptive. In summary, the available evidence is currently insufficient to determine the role of this variant in disease. Therefore, it has been classified as a Variant of Uncertain Significance.

Fulgent Genetics
Classification: Uncertain significance for Mitochondrial complex III deficiency nuclear type 7. Last evaluated: 2024-06-24. Review status: criteria provided, single submitter. Criteria: ACMG Guidelines, 2015. Collection method: clinical testing. Allele origin: germline.

NM_032340.4(UQCC2):c.112G>A (p.Ala38Thr)

Gene: UQCC2 (ubiquinol-cytochrome c reductase complex assembly factor 2; minus strand). Cytogenetic location: 6p21.31.
Variant type: single nucleotide variant.
Coding change: c.112G>A on transcript NM_032340.4 (MANE Select); coding-DNA position 112, G replaced by A.
Protein change: p.Ala38Thr; replaces alanine 38 with threonine.
Molecular consequence: missense variant.
Genome position (GRCh38, 1-based): chr6:33,711,575, C>T on the plus strand (G>A on the coding strand, the complement: UQCC2 is on the minus strand). VCF-style: chr6-33711575-C-T. GRCh37 (hg19) VCF-style: chr6-33679352-C-T.
Other names: short protein forms A38T.
Identifiers: ClinVar variation 1220358 (VCV001220358.10), dbSNP rs200180350, ClinGen allele CA3762543.